The following is an entry in ClinVar:

NM_003872.3(NRP2):c.1905C>A (p.Asp635Glu)

Genes: NRP2 (neuropilin 2; plus strand), LOC126806481 (CDK7 strongly-dependent group 2 enhancer GRCh37_chr2:206617009-206618208; plus strand). Cytogenetic location: 2q33.3.
Variant type: single nucleotide variant.
Coding change: c.1905C>A on transcript NM_003872.3 (MANE Select); coding-DNA position 1905, C replaced by A.
Protein change: p.Asp635Glu; replaces aspartic acid 635 with glutamic acid.
Molecular consequence: missense variant.
Genome position (GRCh38, 1-based): chr2:205,752,836, C>A. VCF-style: chr2-205752836-C-A. GRCh37 (hg19) VCF-style: chr2-206617560-C-A.
Other names: c.1905C>A, p.Asp635Glu (NM_018534.4, NM_201266.2, NM_201267.2 and 1 more transcripts); short protein forms D635E.
Identifiers: ClinVar variation 3353262 (VCV003353262.1).

ClinVar aggregate classification (germline): Uncertain significance (0 of 4 stars; one submission).

Conditions:
NRP2-related disorder. Also called: NRP2-related condition.

gnomAD v4.1: 4 of 1,614,142 alleles (0.00025%); highest among the groups gnomAD compares: Middle Eastern, 0.016%; no homozygotes.

Submission:

PreventionGenetics, part of Exact Sciences
Classification: Uncertain significance for NRP2-related condition. Last evaluated: 2024-02-27. Review status: no assertion criteria provided. Collection method: clinical testing. Allele origin: germline.
Comment: The NRP2 c.1905C>A variant is predicted to result in the amino acid substitution p.Asp635Glu. To our knowledge, this variant has not been reported in the literature or in a large population database, indicating this variant is rare. At this time, the clinical significance of this variant is uncertain due to the absence of conclusive functional and genetic evidence.